The following is an entry in ClinVar:

ClinVar aggregate classification (germline): Pathogenic (1 of 4 stars; one submission).

Conditions:
Familial adenomatous polyposis 1 (FAP1). Also called: FAMILIAL ADENOMATOUS POLYPOSIS 1, ATTENUATED; POLYPOSIS, ADENOMATOUS INTESTINAL. Identifiers: MedGen C2713442, MONDO:0021056, OMIM 175100. Disease mechanism: loss of function.

Submission:

Myriad Genetics, Inc.
Classification: Pathogenic for Familial adenomatous polyposis 1. Last evaluated: 2023-05-02. Review status: criteria provided, single submitter. Criteria: Myriad Autosomal Dominant, Autosomal Recessive and X-Linked Classification Criteria (2023). Collection method: clinical testing. Allele origin: unknown.
Comment: This variant is considered pathogenic. This variant creates a frameshift predicted to result in premature protein truncation.

NM_000038.6(APC):c.1624del (p.Gln542fs)

Gene: APC (APC regulator of Wnt signaling pathway; plus strand). Cytogenetic location: 5q22.2.
Variant type: Deletion.
Coding change: c.1624del on transcript NM_000038.6 (MANE Select); coding-DNA position 1624, one base deleted (C; older notation c.1624delC).
Protein change: p.Gln542fs; shifts the reading frame from glutamine 542.
Molecular consequence: frameshift variant.
Genome position (GRCh38, 1-based): chr5:112,828,004, C deleted. VCF-style (leftmost placement, unchanged base first): chr5-112828003-GC-G. GRCh37 (hg19) VCF-style: chr5-112163700-GC-G.
Other names: c.1624del, p.Gln542fs (NM_001127510.3, NM_001354895.2, NM_001407450.1); c.1570del, p.Gln524fs (NM_001127511.3); c.1678del, p.Gln560fs (NM_001354896.2, NM_001407447.1, NM_001407448.1 and 1 more transcripts); c.1654del, p.Gln552fs (NM_001354897.2); c.1549del, p.Gln517fs (NM_001354898.2); c.1540del, p.Gln514fs (NM_001354899.2); c.1501del, p.Gln501fs (NM_001354900.2); c.1447del, p.Gln483fs (NM_001354901.2, NM_001407453.1); and 11 more; short protein forms Q158fs, Q259fs, Q382fs, Q413fs, Q416fs, Q441fs, Q451fs, Q459fs.
Identifiers: ClinVar variation 2584128 (VCV002584128.2), dbSNP rs2533222884, ClinGen allele CA2582341380.